The following is an entry in ClinVar:

NM_000256.3(MYBPC3):c.1598A>G (p.Gln533Arg)

Gene: MYBPC3 (myosin binding protein C3; minus strand). Cytogenetic location: 11p11.2.
Variant type: single nucleotide variant.
Coding change: c.1598A>G on transcript NM_000256.3 (MANE Select); coding-DNA position 1598, A replaced by G.
Protein change: p.Gln533Arg; replaces glutamine 533 with arginine.
Molecular consequence: missense variant.
Genome position (GRCh38, 1-based): chr11:47,342,604, T>C on the plus strand (A>G on the coding strand, the complement: MYBPC3 is on the minus strand). VCF-style: chr11-47342604-T-C. GRCh37 (hg19) VCF-style: chr11-47364155-T-C.
Other names: short protein forms Q533R.
Identifiers: ClinVar variation 3072567 (VCV003072567.2), dbSNP rs2095889836, ClinGen allele CA380325031.

ClinVar aggregate classification (germline): Uncertain significance. Review status: criteria provided, multiple submitters, no conflicts (2 of 4 stars). 2 submissions from 2 submitters: Uncertain significance (2). Last evaluated 2023-08-08.

Conditions:
Hypertrophic cardiomyopathy. Also called: HYPERTROPHIC MYOCARDIOPATHY. Identifiers: Orphanet 217569, MedGen C0007194, MeSH D002312, MONDO:0005045, HP:0001639.
Cardiomyopathy (CMYO). Also called: Cardiomyopathies. Identifiers: Orphanet 167848, MedGen C0878544, MONDO:0004994, HP:0001638. Inheritance: Various modes of inheritance.

gnomAD v4.1: 1 of 1,610,838 alleles (0.000062%); highest among the groups gnomAD compares: East Asian, 0.0022%; no homozygotes.

Submissions (2):

All of Us Research Program, National Institutes of Health
Classification: Uncertain significance for Hypertrophic cardiomyopathy. Last evaluated: 2023-08-08. Review status: criteria provided, single submitter. Criteria: ACMG Guidelines, 2015. Collection method: clinical testing. Allele origin: germline. Inheritance: Autosomal dominant inheritance. Observed: 1 variant allele, 1 heterozygote.
Comment: This missense variant replaces glutamine with arginine at codon 533 of the MYBPC3 protein. Computational prediction suggests that this variant may not impact protein structure and function (internally defined REVEL score threshold <= 0.5, PMID: 27666373). To our knowledge, functional studies have not been reported for this variant. This variant has been reported in an individual affected with sudden unexplained death and hypertrophic cardiomyopathy (PMID: 27930701). This variant has not been identified in the general population by the Genome Aggregation Database (gnomAD). The available evidence is insufficient to determine the role of this variant in disease conclusively. Therefore, this variant is classified as a Variant of Uncertain Significance.

This study involves interpretation of variants in research participants for the purpose of population health screening. Participant phenotype was not available at the time of variant classification. Additional details can be found in publication PMID: 35346344, PMCID: PMC8962531

Color Diagnostics, LLC DBA Color Health
Classification: Uncertain significance for Cardiomyopathy. Last evaluated: 2023-07-24. Review status: criteria provided, single submitter. Criteria: ACMG Guidelines, 2015. Collection method: clinical testing. Allele origin: germline.
Comment: This missense variant replaces glutamine with arginine at codon 533 of the MYBPC3 protein. Computational prediction suggests that this variant may not impact protein structure and function. To our knowledge, functional studies have not been reported for this variant. This variant has been reported in an individual affected with sudden unexplained death and hypertrophic cardiomyopathy (PMID: 27930701). This variant has not been identified in the general population by the Genome Aggregation Database (gnomAD). The available evidence is insufficient to determine the role of this variant in disease conclusively. Therefore, this variant is classified as a Variant of Uncertain Significance.

Literature cited by the submitters: PubMed 27930701 (cited by All of Us Research Program, National Institutes of Health and Color Diagnostics, LLC DBA Color Health).